The following is an entry in ClinVar:

ClinVar aggregate classification (germline): Pathogenic (1 of 4 stars; one submission).

Conditions:
Hereditary cancer-predisposing syndrome. Also called: Neoplastic Syndromes, Hereditary; Tumor predisposition; Hereditary neoplastic syndrome; Hereditary Cancer Syndrome. Identifiers: Orphanet 140162, MedGen C0027672, MeSH D009386, MONDO:0015356.

Submission:

Ambry Genetics
Classification: Pathogenic for Hereditary cancer-predisposing syndrome. Last evaluated: 2024-02-23. Review status: criteria provided, single submitter. Criteria: Ambry Variant Classification Scheme 2023. Collection method: clinical testing. Allele origin: germline.
Comment: The c.2679dupC variant, located in coding exon 16 of the PTCH1 gene, results from a duplication of C at nucleotide position 2679, causing a translational frameshift with a predicted alternate stop codon (p.D894Rfs*2). This variant is considered to be rare based on population cohorts in the Genome Aggregation Database (gnomAD). This alteration is expected to result in loss of function by premature protein truncation or nonsense-mediated mRNA decay. As such, this alteration is interpreted as a disease-causing mutation.

NM_000264.5(PTCH1):c.2679dup (p.Asp894fs)

Gene: PTCH1 (patched 1; minus strand). Cytogenetic location: 9q22.32.
Variant type: Duplication.
Coding change: c.2679dup on transcript NM_000264.5 (MANE Select); coding-DNA position 2679, one base duplicated (C; older notation c.2679dupC).
Protein change: p.Asp894fs; shifts the reading frame from aspartic acid 894.
Molecular consequence: frameshift variant. On other transcripts: non-coding transcript variant (1).
Genome position (GRCh38, 1-based): chr9:95,461,880, G duplicated on the plus strand (C on the coding strand, the reverse complement: PTCH1 is on the minus strand). VCF-style (leftmost placement, unchanged base first): chr9-95461879-C-CG. GRCh37 (hg19) VCF-style: chr9-98224161-C-CG.
Other names: c.2481dup, p.Asp828fs (NM_001083602.3); c.2676dup, p.Asp893fs (NM_001083603.3); c.2226dup, p.Asp743fs (NM_001083604.3, NM_001083605.3, NM_001083606.3 and 1 more transcripts); c.2523dup, p.Asp842fs (NM_001354918.2); c.2679dupC (NM_000264.3); short protein forms D743fs, D828fs, D842fs, D893fs, D894fs.
Identifiers: ClinVar variation 3230987 (VCV003230987.1), dbSNP rs2538093992, ClinGen allele CA2825001644.
Genomic context (GRCh38, chr9:95,461,879, plus strand): 5'-CCCTGGAAGCGCCCTCAGTGCCCAGCAGCTGGAGTACCTGGCTGATGTCGATGGGCTTAT[C>CG]GCGGCTGCCGGTTTGCACCAGGAGTTTGTAGGCAAGGACTCCATCGTCTGATCCATTCTT-3'